The following is an entry in ClinVar:

ClinVar aggregate classification (germline): Benign (1 of 4 stars; one submission).

Conditions:
Keutel syndrome (KTLS). Identifiers: Orphanet 85202, MedGen C1855607, MONDO:0009495, OMIM 245150.

Allele frequency attached by ClinVar (database versions not stated): 1000 Genomes Project 0.00919; gnomAD 0.01040 and 0.01124; TOPMed 0.01134; 1000 Genomes Project 30x 0.01140.

Submission:

Illumina Laboratory Services, Illumina
Classification: Benign for Keutel syndrome. Last evaluated: 2018-01-12. Review status: criteria provided, single submitter. Criteria: ICSL Variant Classification Criteria 13 December 2019. Collection method: clinical testing. Allele origin: germline.
Comment: This variant was observed in the ICSL laboratory as part of a predisposition screen in an ostensibly healthy population. It had not been previously curated by ICSL or reported in the Human Gene Mutation Database (HGMD: prior to June 1st, 2018), and was therefore a candidate for classification through an automated scoring system. Utilizing variant allele frequency, disease prevalence and penetrance estimates, and inheritance mode, an automated score was calculated to assess if this variant is too frequent to cause the disease. Based on the score and internal cut-off values, a variant classified as benign is not then subjected to further curation. The score for this variant resulted in a classification of benign for this disease.

NM_000900.5(MGP):c.*615A>G

Genes: MGP (matrix Gla protein; minus strand), LOC126861465 (CDK7 strongly-dependent group 2 enhancer GRCh37_chr12:15033676-15034875; plus strand). Cytogenetic location: 12p12.3.
Variant type: single nucleotide variant.
Coding change: c.*615A>G on transcript NM_000900.5 (MANE Select); 615 bases downstream of the stop codon, A replaced by G.
Molecular consequence: 3 prime UTR variant.
Genome position (GRCh38, 1-based): chr12:14,881,524, T>C on the plus strand (A>G on the coding strand, the complement: MGP is on the minus strand). VCF-style: chr12-14881524-T-C. GRCh37 (hg19) VCF-style: chr12-15034458-T-C.
Other names: c.*615A>G (NM_001190839.3).
Identifiers: ClinVar variation 307757 (VCV000307757.5), dbSNP rs34181533, ClinGen allele CA10641414.
Genomic context (GRCh38, chr12:14,881,524, plus strand): 5'-TGTGATTATTGATATAGTTAAGTGTATAAACTATTATTGACAGTTTTTGCCAATTGCTTT[T>C]ATTTGTCCCTTCTGCTTTCTCTTTTCCTTTTCCTCCTTTTTTCTCTTCTAGATTATCTTG-3'